The following is an entry in ClinVar:

ClinVar aggregate classification (germline): Likely benign. Review status: criteria provided, multiple submitters, no conflicts (2 of 4 stars). 3 submissions from 3 submitters: Likely benign (3). Last evaluated 2025-12-23.

Conditions:
SNRNP200-related disorder. Also called: SNRNP200-related condition.

Allele frequency attached by ClinVar (database versions not stated): gnomAD exomes below 0.00001; gnomAD 0.00004 and 0.00005; TOPMed 0.00005.
gnomAD v4.1: 13 of 1,613,730 alleles (0.00081%); highest among the groups gnomAD compares: African/African-American, 0.012%; no homozygotes.

Submissions (3):

Labcorp Genetics (formerly Invitae), Labcorp
Classification: Likely benign. Last evaluated: 2025-12-23. Review status: criteria provided, single submitter. Criteria: Invitae Variant Classification Sherloc (09022015). Collection method: clinical testing. Allele origin: germline.

PreventionGenetics, part of Exact Sciences
Classification: Likely benign for SNRNP200-related condition. Last evaluated: 2025-10-04. Review status: criteria provided, single submitter. Criteria: ACMG Guidelines, 2015. Collection method: clinical testing. Allele origin: germline.
Comment: This variant is classified as likely benign based on ACMG/AMP sequence variant interpretation guidelines (Richards et al. 2015 PMID: 25741868, with internal and published modifications).

Blueprint Genetics
Classification: Likely benign. Last evaluated: 2023-03-29. Review status: criteria provided, single submitter. Criteria: ACMG Guidelines, 2015. Collection method: clinical testing. Allele origin: germline.

NM_014014.5(SNRNP200):c.4386G>A (p.Glu1462=)

Gene: SNRNP200 (small nuclear ribonucleoprotein U5 subunit 200; minus strand). Cytogenetic location: 2q11.2.
Variant type: single nucleotide variant.
Coding change: c.4386G>A on transcript NM_014014.5 (MANE Select); coding-DNA position 4386, G replaced by A.
Protein change: p.Glu1462=; no amino-acid change (glutamic acid 1462 retained).
Molecular consequence: synonymous variant.
Genome position (GRCh38, 1-based): chr2:96,284,364, C>T on the plus strand (G>A on the coding strand, the complement: SNRNP200 is on the minus strand). VCF-style: chr2-96284364-C-T. GRCh37 (hg19) VCF-style: chr2-96950102-C-T.
Other names: c.4386G>A (NM_014014.4).
Identifiers: ClinVar variation 1541656 (VCV001541656.10), dbSNP rs748118524, ClinGen allele CA52391957.